The following is an entry in ClinVar:

ClinVar aggregate classification (germline): Pathogenic/Likely pathogenic. Review status: criteria provided, multiple submitters, no conflicts (2 of 4 stars). 9 submissions from 9 submitters: Pathogenic (5); Likely pathogenic (2). 2 of the submissions do not count toward it. Last evaluated 2025-07-08.

Conditions:
C10ORF2 & TWNK-related disorders.
Infantile onset spinocerebellar ataxia (MTDPS7). Also called: Mitochondrial DNA depletion syndrome 7 (hepatocerebral type); OHAHA SYNDROME; SPINOCEREBELLAR ATAXIA, INFANTILE, WITH SENSORY NEUROPATHY; OPHTHALMOPLEGIA, HYPOTONIA, ATAXIA, HYPOACUSIS, AND ATHETOSIS. Identifiers: Orphanet 1186, MedGen C1849096, MONDO:0010060, OMIM 271245.

Allele frequency attached by ClinVar (database versions not stated): TOPMed 0.00003; gnomAD exomes 0.00011 and 0.00025; ExAC 0.00014; gnomAD 0.00027 and 0.00028.

Submissions (9):

Revvity Omics, Revvity
Classification: Likely pathogenic. Last evaluated: 2025-07-08. Review status: criteria provided, single submitter. Criteria: ACMG Guidelines, 2015. Collection method: clinical testing. Allele origin: germline.

Labcorp Genetics (formerly Invitae), Labcorp
Classification: Pathogenic. Last evaluated: 2025-05-23. Review status: criteria provided, single submitter. Criteria: Invitae Variant Classification Sherloc (09022015). Collection method: clinical testing. Allele origin: germline.
Comment: This sequence change replaces tyrosine, which is neutral and polar, with cysteine, which is neutral and slightly polar, at codon 508 of the TWNK protein (p.Tyr508Cys). This variant is present in population databases (rs80356540, gnomAD 0.3%). This missense change has been observed in individuals with clinical features of autosomal recessive TWNK-related conditions (PMID: 16135556, 17921179, 21681116, 33486010). ClinVar contains an entry for this variant (Variation ID: 4627). Invitae Evidence Modeling of protein sequence and biophysical properties (such as structural, functional, and spatial information, amino acid conservation, physicochemical variation, residue mobility, and thermodynamic stability) indicates that this missense variant is expected to disrupt TWNK protein function with a positive predictive value of 95%. Experimental studies have shown that this missense change does not substantially affect TWNK function (PMID: 16135556, 18775955, 20659899). For these reasons, this variant has been classified as Pathogenic.

Blueprint Genetics
Classification: Pathogenic for C10ORF2 & TWNK-related disorders. Last evaluated: 2024-11-07. Review status: criteria provided, single submitter. Criteria: ACMG Guidelines, 2015. Collection method: clinical testing. Allele origin: germline. Affected: yes. Observed: 5 variant alleles.

3billion
Classification: Likely pathogenic for Infantile onset spinocerebellar ataxia. Last evaluated: 2022-05-22. Review status: criteria provided, single submitter. Criteria: ACMG Guidelines, 2015. Collection method: clinical testing. Allele origin: germline. Affected: yes. Observed: 1 homozygote.
Comment: Amino acid change identical to known pathogenic variant has been previously reported with established evidence (ClinVar ID: VCV000004627, PMID:16135556). In silico prediction tools and conservation analysis predicted that this variant was probably damaging to the protein structure/function (REVEL: 0.964>=0.6, 3CNET: 0.948>=0.75). It has been reported with an extremely low frequency in the gnomAD v2.1.1 dataset (total allele frequency: dMAF: 0.00447, PM2_M). Therefore, this variant is classified as likely pathogenic according to the recommendation of ACMG/AMP guideline.

CeGaT Center for Human Genetics Tuebingen
Classification: Pathogenic. Last evaluated: 2021-08-01. Review status: criteria provided, single submitter. Criteria: CeGaT Center For Human Genetics Tuebingen Variant Classification Criteria Version 2. Collection method: clinical testing. Allele origin: germline. Affected: yes. Observed: 1 variant allele.

Institute of Human Genetics Munich, TUM University Hospital
Classification: Pathogenic for Infantile onset spinocerebellar ataxia. Last evaluated: 2017-09-08. Review status: criteria provided, single submitter. Criteria: Classification criteria August 2017. Collection method: clinical testing. Allele origin: paternal. Inheritance: Autosomal recessive inheritance. Affected: yes. Observed: 1 compound heterozygote.

GeneDx
Classification: Pathogenic. Last evaluated: 2016-06-06. Review status: criteria provided, single submitter. Criteria: GeneDx Variant Classification (06012015). Collection method: clinical testing. Allele origin: germline. Affected: yes.
Comment: The Y508C variant in the C10orf2 gene has been reported previously in the homozygous state in multiple individuals with infantile onset spinocerebellar ataxia (IOSCA) (Nikali et al., 2005). Individuals who are compound heterozygous for the Y508C variant and another disease causing variant in C10orf2 may present with IOSCA or early onset cholestatic liver failure (Nikali et al., 2005; Goh et al., 2012). Heterozygous carriers of the Y508C variant are unaffected (Nikali et al., 2005). The Y508C variant is a founder mutation within the Finnish population (Nikali et al., 2005) yet rare outside this population, therefore the Y508C variant was not observed in approximately 6500 individuals of European and African American ancestry in the NHLBI Exome Sequencing Project. The Y508C variant is a non-conservative amino acid substitution, which is likely to impact secondary protein structure as these residues differ in polarity, charge, size and/or other properties. This substitution occurs at a position that is well-conserved across species. In silico analysis predicts this variant is probably damaging to the protein structure/function. We interpret Y508C as a disease-causing variant.

OMIM
Classification: Pathogenic for MITOCHONDRIAL DNA DEPLETION SYNDROME 7 (HEPATOCEREBRAL TYPE). Last evaluated: 2005-10-15. Review status: no assertion criteria provided. Collection method: literature only. Allele origin: germline. Not counted in ClinVar's aggregate classification.

GeneReviews
No classification provided. Condition: Infantile onset spinocerebellar ataxia. Review status: no classification provided. Collection method: literature only. Allele origin: germline. Not counted in ClinVar's aggregate classification.

Literature cited by the submitters: PubMed 16135556 (cited by 4 submitters); PubMed 17921179 (cited by Labcorp Genetics (formerly Invitae), Labcorp and GeneReviews); PubMed 21681116 (cited by Labcorp Genetics (formerly Invitae), Labcorp); PubMed 33486010 (cited by Labcorp Genetics (formerly Invitae), Labcorp); PubMed 18775955 (cited by Labcorp Genetics (formerly Invitae), Labcorp); PubMed 20659899 (cited by Labcorp Genetics (formerly Invitae), Labcorp); NCBI Bookshelf NBK3795 (cited by GeneReviews).

NM_021830.5(TWNK):c.1523A>G (p.Tyr508Cys)

Gene: TWNK (twinkle mtDNA helicase; plus strand). Cytogenetic location: 10q24.31.
Variant type: single nucleotide variant.
Coding change: c.1523A>G on transcript NM_021830.5 (MANE Select); coding-DNA position 1523, A replaced by G.
Protein change: p.Tyr508Cys; replaces tyrosine 508 with cysteine.
Molecular consequence: missense variant. On other transcripts: non-coding transcript variant (5).
Genome position (GRCh38, 1-based): chr10:100,990,474, A>G. VCF-style: chr10-100990474-A-G. GRCh37 (hg19) VCF-style: chr10-102750231-A-G.
Other names: p.Y508C:TAT>TGT; c.1523A>G, p.Tyr508Cys (NM_001163812.2); c.161A>G, p.Tyr54Cys (NM_001163813.2, NM_001163814.2, NM_001368275.1); short protein forms Y508C, Y54C.
Identifiers: ClinVar variation 4627 (VCV000004627.49), dbSNP rs80356540, ClinGen allele CA324445.